The following is an entry in ClinVar:

NM_001353345.2(SETD1B):c.4186C>T (p.Leu1396=)

Gene: SETD1B (SET domain containing 1B, histone lysine methyltransferase; plus strand). Cytogenetic location: 12q24.31.
Variant type: single nucleotide variant.
Coding change: c.4186C>T on transcript NM_001353345.2 (MANE Select); coding-DNA position 4186, C replaced by T.
Protein change: p.Leu1396=; no amino-acid change (leucine 1396 retained).
Molecular consequence: synonymous variant.
Genome position (GRCh38, 1-based): chr12:121,822,765, C>T. VCF-style: chr12-121822765-C-T. GRCh37 (hg19) VCF-style: chr12-122260671-C-T.
Other names: NM_015048.1:c.4057C>T.
Identifiers: ClinVar variation 3353196 (VCV003353196.1).

ClinVar aggregate classification (germline): Likely benign (0 of 4 stars; one submission).

Conditions:
SETD1B-related disorder. Also called: SETD1B-related condition.

gnomAD v4.1: 10 of 1,517,096 alleles (0.00066%); highest among the groups gnomAD compares: Admixed American, 0.0021%; no homozygotes.

Submission:

PreventionGenetics, part of Exact Sciences
Classification: Likely benign for SETD1B-related condition. Last evaluated: 2019-03-25. Review status: no assertion criteria provided. Collection method: clinical testing. Allele origin: germline.
Comment: This variant is classified as likely benign based on ACMG/AMP sequence variant interpretation guidelines (Richards et al. 2015 PMID: 25741868, with internal and published modifications).